The following is an entry in ClinVar:

NM_001009944.3(PKD1):c.12198C>T (p.Cys4066=)

Gene: PKD1 (polycystin 1, transient receptor potential channel interacting; minus strand). Cytogenetic location: 16p13.3.
Variant type: single nucleotide variant.
Coding change: c.12198C>T on transcript NM_001009944.3 (MANE Select); coding-DNA position 12198, C replaced by T.
Protein change: p.Cys4066=; no amino-acid change (cysteine 4066 retained).
Molecular consequence: synonymous variant.
Genome position (GRCh38, 1-based): chr16:2,090,531, G>A on the plus strand (C>T on the coding strand, the complement: PKD1 is on the minus strand). VCF-style: chr16-2090531-G-A. GRCh37 (hg19) VCF-style: chr16-2140532-G-A.
Other names: p.Cys4066=; c.12195C>T, p.Cys4065= (NM_000296.4).
Identifiers: ClinVar variation 994224 (VCV000994224.18), dbSNP rs116216040, ClinGen allele CA7828728.
Genomic context (GRCh38, chr16:2,090,531, plus strand): 5'-CAGCAGGGGTGACAGGTGCCAGGACTCGGCAGGACACAGGGTAGAGAGCCCAGTCCCAGG[G>A]CACAGCACCAACAGGGCCTGGGCCACGCTCCAGAGGGAGTCCACACAGGAAGACACGAGC-3'
Protein context (NP_001009944.3, residues 4056-4076): WSVAQALLVL[Cys4066=]PGTGLSTLCP

ClinVar aggregate classification (germline): Benign/Likely benign. Review status: criteria provided, multiple submitters, no conflicts (2 of 4 stars). 8 submissions from 8 submitters: Benign (2); Likely benign (6). Last evaluated 2025-12-22.

Conditions:
Polycystic kidney disease, adult type (PKD1). Also called: POLYCYSTIC KIDNEY DISEASE, ADULT, TYPE I; Polycystic Kidney, Autosomal Dominant; POLYCYSTIC KIDNEY DISEASE 1 WITH OR WITHOUT POLYCYSTIC LIVER DISEASE; Polycystic Kidney Disease 1, Autosomal Dominant; Polycystic kidney disease 1; Polycystic kidney disease 1, severe. Identifiers: MedGen C3149841, MONDO:0008263, OMIM 173900.

Allele frequency attached by ClinVar (database versions not stated): gnomAD exomes 0.00067 and 0.00116; ExAC 0.00147; 1000 Genomes Project 30x 0.00312; 1000 Genomes Project 0.00359; gnomAD 0.00434 and 0.00469; TOPMed 0.00474; ESP Exome Variant Server 0.00526.
gnomAD v4.1: 1,693 of 1,610,278 alleles (0.11%); highest among the groups gnomAD compares: African/African-American, 1.4%; 13 homozygotes.

Submissions (8):

Women's Health and Genetics/Laboratory Corporation of America, LabCorp
Classification: Likely benign. Last evaluated: 2025-12-22. Review status: criteria provided, single submitter. Criteria: LabCorp Variant Classification Summary - May 2015. Collection method: clinical testing. Allele origin: germline.

Mayo Clinic Laboratories, Mayo Clinic
Classification: Likely benign. Last evaluated: 2025-08-20. Review status: criteria provided, single submitter. Criteria: ACMG Guidelines, 2015. Collection method: clinical testing. Allele origin: germline. Observed: 1 variant allele.
Comment: BS1, BP4, BP7

Blueprint Genetics
Classification: Likely benign. Last evaluated: 2024-10-09. Review status: criteria provided, single submitter. Criteria: ACMG Guidelines, 2015. Collection method: clinical testing. Allele origin: germline.

Fulgent Genetics
Classification: Likely benign for Polycystic kidney disease, adult type. Last evaluated: 2021-11-17. Review status: criteria provided, single submitter. Criteria: ACMG Guidelines, 2015. Collection method: clinical testing. Allele origin: unknown.

GeneDx
Classification: Likely benign. Last evaluated: 2021-10-04. Review status: criteria provided, single submitter. Criteria: GeneDx Variant Classification Process June 2021. Collection method: clinical testing. Allele origin: germline. Affected: yes.

Department of Pathology and Laboratory Medicine, Sinai Health System
Classification: Benign for Polycystic kidney disease, adult type. Last evaluated: 2020-03-30. Review status: criteria provided, single submitter. Criteria: ACMG Guidelines, 2015. Collection method: clinical testing. Allele origin: germline. Affected: yes.

ARUP Laboratories, Molecular Genetics and Genomics, ARUP Laboratories
Classification: Benign for Polycystic kidney disease, adult type. Last evaluated: 2019-08-12. Review status: criteria provided, single submitter. Criteria: ARUP Molecular Germline Variant Investigation Process. Collection method: clinical testing. Allele origin: germline.

Breakthrough Genomics
Classification: Likely benign. Review status: criteria provided, single submitter. Criteria: ACMG Guidelines, 2015. Collection method: not provided. Allele origin: germline. Inheritance: Autosomal dominant inheritance. Affected: yes.

Literature cited by the submitters: PubMed 22383692 (cited by Department of Pathology and Laboratory Medicine, Sinai Health System).